The following is an entry in ClinVar:

NM_024334.3(TMEM43):c.412C>T (p.Gln138Ter)

Gene: TMEM43 (transmembrane protein 43; plus strand). Cytogenetic location: 3p25.1.
Variant type: single nucleotide variant.
Coding change: c.412C>T on transcript NM_024334.3 (MANE Select); coding-DNA position 412, C replaced by T.
Protein change: p.Gln138Ter; replaces glutamine 138 with a stop codon.
Molecular consequence: nonsense.
Genome position (GRCh38, 1-based): chr3:14,132,565, C>T. VCF-style: chr3-14132565-C-T. GRCh37 (hg19) VCF-style: chr3-14174065-C-T.
Other names: short protein forms Q138*.
Identifiers: ClinVar variation 3703126 (VCV003703126.2), dbSNP rs794729180.

ClinVar aggregate classification (germline): Uncertain significance (1 of 4 stars; one submission).

Conditions:
Arrhythmogenic right ventricular dysplasia 5. Also called: Arrhythmogenic Right Ventricular Dysplasia/Cardiomyopathy 5; ARRHYTHMOGENIC RIGHT VENTRICULAR DYSPLASIA, FAMILIAL, 5. Identifiers: MedGen C1858379, MONDO:0011459, OMIM 604400.

Submission:

Labcorp Genetics (formerly Invitae), Labcorp
Classification: Uncertain significance for Arrhythmogenic right ventricular dysplasia 5. Last evaluated: 2024-10-21. Review status: criteria provided, single submitter. Criteria: Invitae Variant Classification Sherloc (09022015). Collection method: clinical testing. Allele origin: germline.
Comment: This sequence change creates a premature translational stop signal (p.Gln138*) in the TMEM43 gene. It is expected to result in an absent or disrupted protein product. However, the current clinical and genetic evidence is not sufficient to establish whether loss-of-function variants in TMEM43 cause disease. This variant is present in population databases (rs794729180, gnomAD 0.0009%). This variant has not been reported in the literature in individuals affected with TMEM43-related conditions. Algorithms developed to predict the effect of sequence changes on RNA splicing suggest that this variant may create or strengthen a splice site. In summary, the available evidence is currently insufficient to determine the role of this variant in disease. Therefore, it has been classified as a Variant of Uncertain Significance.